The following is an entry in ClinVar:

NM_017777.4(MKS1):c.1036C>T (p.Pro346Ser)

Gene: MKS1 (MKS transition zone complex subunit 1; minus strand). Cytogenetic location: 17q22.
Variant type: single nucleotide variant.
Coding change: c.1036C>T on transcript NM_017777.4 (MANE Select); coding-DNA position 1036, C replaced by T.
Protein change: p.Pro346Ser; replaces proline 346 with serine.
Molecular consequence: missense variant.
Genome position (GRCh38, 1-based): chr17:58,208,572, G>A on the plus strand (C>T on the coding strand, the complement: MKS1 is on the minus strand). VCF-style: chr17-58208572-G-A. GRCh37 (hg19) VCF-style: chr17-56285933-G-A.
Other names: c.427C>T, p.Pro143Ser (NM_001321268.2); c.1036C>T, p.Pro346Ser (NM_001321269.2, NM_001330397.2); short protein forms P346S, P143S.
Identifiers: ClinVar variation 502688 (VCV000502688.7), dbSNP rs538164532, ClinGen allele CA292009150.

ClinVar aggregate classification (germline): Uncertain significance. Review status: criteria provided, multiple submitters, no conflicts (2 of 4 stars). 2 submissions from 2 submitters: Uncertain significance (2). Last evaluated 2022-05-19.

Conditions:
Meckel-Gruber syndrome. Also called: DYSENCEPHALIA SPLANCHNOCYSTICA; GRUBER SYNDROME; Dysencephalia splachnocystica. Identifiers: Orphanet 564, MedGen C0265215, MONDO:0018921.
Joubert syndrome. Also called: CEREBELLOPARENCHYMAL DISORDER IV; JOUBERT-BOLTSHAUSER SYNDROME; Familial aplasia of the vermis. Identifiers: Orphanet 475, MedGen C5979921, MONDO:0018772.

Allele frequency attached by ClinVar (database versions not stated): gnomAD exomes below 0.00001; TOPMed below 0.00001.
gnomAD v4.1: 5 of 1,614,132 alleles (0.00031%); highest among the groups gnomAD compares: African/African-American, 0.004%; no homozygotes.

Submissions (2):

Labcorp Genetics (formerly Invitae), Labcorp
Classification: Uncertain significance for Joubert syndrome; Meckel-Gruber syndrome. Last evaluated: 2022-05-19. Review status: criteria provided, single submitter. Criteria: Invitae Variant Classification Sherloc (09022015). Collection method: clinical testing. Allele origin: germline.
Comment: This sequence change replaces proline, which is neutral and non-polar, with serine, which is neutral and polar, at codon 346 of the MKS1 protein (p.Pro346Ser). This variant is not present in population databases (gnomAD no frequency). This variant has not been reported in the literature in individuals affected with MKS1-related conditions. ClinVar contains an entry for this variant (Variation ID: 502688). Advanced modeling of protein sequence and biophysical properties (such as structural, functional, and spatial information, amino acid conservation, physicochemical variation, residue mobility, and thermodynamic stability) performed at Invitae indicates that this missense variant is not expected to disrupt MKS1 protein function. In summary, the available evidence is currently insufficient to determine the role of this variant in disease. Therefore, it has been classified as a Variant of Uncertain Significance.

Eurofins Ntd Llc (ga)
Classification: Uncertain significance. Last evaluated: 2017-06-22. Review status: criteria provided, single submitter. Criteria: EGL Classification Definitions 2015. Collection method: clinical testing. Allele origin: germline. Observed: 1 variant allele, 1 heterozygote.